The following is an entry in ClinVar:

ClinVar aggregate classification (germline): Uncertain significance. Review status: criteria provided, multiple submitters, no conflicts (2 of 4 stars). 2 submissions from 2 submitters: Uncertain significance (2). Last evaluated 2023-02-07.

Conditions:
Inborn genetic diseases. Identifiers: MedGen C0950123, MeSH D030342.

Submissions (2):

Blueprint Genetics
Classification: Uncertain significance. Last evaluated: 2023-02-07. Review status: criteria provided, single submitter. Criteria: ACMG Guidelines, 2015. Collection method: clinical testing. Allele origin: germline.

Ambry Genetics
Classification: Uncertain significance for Inborn genetic diseases. Last evaluated: 2017-06-02. Review status: criteria provided, single submitter. Criteria: Ambry Variant Classification Scheme 2023. Collection method: clinical testing. Allele origin: germline.
Comment: The p.C820Y variant (also known as c.2459G>A), located in coding exon 16 of the POGZ gene, results from a G to A substitution at nucleotide position 2459. The cysteine at codon 820 is replaced by tyrosine, an amino acid with highly dissimilar properties. This amino acid position is highly conserved in available vertebrate species. In addition, this alteration is predicted to be deleterious by in silico analysis. Since supporting evidence is limited at this time, the clinical significance of this alteration remains unclear.

NM_015100.4(POGZ):c.2459G>A (p.Cys820Tyr)

Gene: POGZ (pogo transposable element derived with ZNF domain; minus strand). Cytogenetic location: 1q21.3.
Variant type: single nucleotide variant.
Coding change: c.2459G>A on transcript NM_015100.4 (MANE Select); coding-DNA position 2459, G replaced by A.
Protein change: p.Cys820Tyr; replaces cysteine 820 with tyrosine.
Molecular consequence: missense variant.
Genome position (GRCh38, 1-based): chr1:151,406,997, C>T on the plus strand (G>A on the coding strand, the complement: POGZ is on the minus strand). VCF-style: chr1-151406997-C-T. GRCh37 (hg19) VCF-style: chr1-151379473-C-T.
Other names: c.2432G>A, p.Cys811Tyr (NM_001194937.2); c.2273G>A, p.Cys758Tyr (NM_001194938.2); c.2174G>A, p.Cys725Tyr (NM_145796.4); c.2300G>A, p.Cys767Tyr (NM_207171.2); short protein forms C820Y, C811Y, C758Y, C725Y, C767Y.
Identifiers: ClinVar variation 589100 (VCV000589100.6), dbSNP rs1557870105, ClinGen allele CA341953527.